The following is an entry in ClinVar:

ClinVar aggregate classification (germline): Uncertain significance (1 of 4 stars; one submission).

gnomAD v4.1: 1 of 1,614,224 alleles (0.000062%); highest among the groups gnomAD compares: Admixed American, 0.0017%; no homozygotes.

Submission:

Labcorp Genetics (formerly Invitae), Labcorp
Classification: Uncertain significance. Last evaluated: 2024-09-12. Review status: criteria provided, single submitter. Criteria: Invitae Variant Classification Sherloc (09022015). Collection method: clinical testing. Allele origin: germline.
Comment: This sequence change replaces glutamine, which is neutral and polar, with arginine, which is basic and polar, at codon 61 of the ANGPT1 protein (p.Gln61Arg). This variant is present in population databases (no rsID available, gnomAD 0.003%). This variant has not been reported in the literature in individuals affected with ANGPT1-related conditions. An algorithm developed to predict the effect of missense changes on protein structure and function (PolyPhen-2) suggests that this variant is likely to be tolerated. In summary, the available evidence is currently insufficient to determine the role of this variant in disease. Therefore, it has been classified as a Variant of Uncertain Significance.

NM_001146.5(ANGPT1):c.182A>G (p.Gln61Arg)

Gene: ANGPT1 (angiopoietin 1; minus strand). Cytogenetic location: 8q23.1.
Variant type: single nucleotide variant.
Coding change: c.182A>G on transcript NM_001146.5 (MANE Select); coding-DNA position 182, A replaced by G.
Protein change: p.Gln61Arg; replaces glutamine 61 with arginine.
Molecular consequence: missense variant.
Genome position (GRCh38, 1-based): chr8:107,497,377, T>C on the plus strand (A>G on the coding strand, the complement: ANGPT1 is on the minus strand). VCF-style: chr8-107497377-T-C. GRCh37 (hg19) VCF-style: chr8-108509605-T-C.
Other names: c.182A>G, p.Gln61Arg (NM_001199859.3); short protein forms Q61R.
Identifiers: ClinVar variation 3614984 (VCV003614984.2).